The following is an entry in ClinVar:

ClinVar aggregate classification (germline): Uncertain significance (1 of 4 stars; one submission).

Conditions:
Aortic valve disease 2 (AOVD2). Identifiers: MedGen C3542024, MONDO:0013902, OMIM 614823.

Submission:

Labcorp Genetics (formerly Invitae), Labcorp
Classification: Uncertain significance for Aortic valve disease 2. Last evaluated: 2026-01-07. Review status: criteria provided, single submitter. Criteria: Invitae Variant Classification Sherloc (09022015). Collection method: clinical testing. Allele origin: germline.
Comment: This variant, c.417_425del, results in the deletion of 3 amino acid(s) of the TBX5 protein (p.Asp140_Pro142del), but otherwise preserves the integrity of the reading frame. This variant is not present in population databases (gnomAD no frequency). This variant has not been reported in the literature in individuals affected with TBX5-related conditions. Experimental studies and prediction algorithms are not available or were not evaluated, and the functional significance of this variant is currently unknown. In summary, the available evidence is currently insufficient to determine the role of this variant in disease. Therefore, it has been classified as a Variant of Uncertain Significance.

NM_181486.4(TBX5):c.417_425del (p.Asp140_Pro142del)

Gene: TBX5 (T-box transcription factor 5; minus strand). Cytogenetic location: 12q24.21.
Variant type: Deletion.
Coding change: c.417_425del on transcript NM_181486.4 (MANE Select); coding-DNA positions 417 to 425, 9 bases deleted (AGACTCCCC; older notation c.417_425delAGACTCCCC).
Protein change: p.Asp140_Pro142del.
Molecular consequence: inframe deletion.
Genome position (GRCh38, 1-based): chr12:114,398,658-114,398,666, GGGGAGTCT deleted on the plus strand (AGACTCCCC on the coding strand, the reverse complement: TBX5 is on the minus strand); deleting any 9 consecutive bases within chr12:114,398,658-114,398,669 gives the same sequence; the c. name uses the placement nearest the transcript's 3' end. VCF-style (leftmost placement, unchanged base first): chr12-114398657-GGGGGAGTCT-G. GRCh37 (hg19) VCF-style: chr12-114836462-GGGGGAGTCT-G.
Other names: c.417_425del, p.Asp140_Pro142del (NM_000192.3); c.267_275del, p.Asp90_Pro92del (NM_080717.4).
Identifiers: ClinVar variation 4730263 (VCV004730263.1).
Genomic context (GRCh38, chr12:114,398,657, plus strand): 5'-GTTGGTGAGCTTGAGTTTCTGGAAGGAGACGAGCTGCCTCATCCAATGCGCCCCGGTGGC[GGGGGAGTCT>G]GGGTGCACGTACAGGCGGCCAGGCATGGCGGGCTCAGCTTTGCCCGTCACAGACCTAGAT-3'